The following is an entry in ClinVar:

ClinVar aggregate classification (germline): Conflicting classifications of pathogenicity. Review status: criteria provided, conflicting classifications (1 of 4 stars). 3 submissions from 3 submitters: Uncertain significance (1); Benign (2). Last evaluated 2024-01-03.

Conditions:
Inborn genetic diseases. Identifiers: MedGen C0950123, MeSH D030342.
Collagen 6-related myopathy. Identifiers: MedGen CN117976, MONDO:0100225.
Bethlem myopathy 1A. Also called: MYOPATHY, BENIGN CONGENITAL, WITH CONTRACTURES; Bethlem myopathy 1; Bethlem Muscular Dystrophy. Identifiers: Orphanet 610, MedGen CN029274, MONDO:0024530, OMIM 158810.

Allele frequency attached by ClinVar (database versions not stated): ESP Exome Variant Server 0.00008.
gnomAD v4.1: 31 of 1,611,862 alleles (0.0019%); highest among the groups gnomAD compares: Middle Eastern, 0.017%; no homozygotes.

Submissions (3):

Ambry Genetics
Classification: Uncertain significance for Inborn genetic diseases. Last evaluated: 2024-01-03. Review status: criteria provided, single submitter. Criteria: Ambry Variant Classification Scheme 2023. Collection method: clinical testing. Allele origin: germline.

Labcorp Genetics (formerly Invitae), Labcorp
Classification: Benign for Bethlem myopathy 1A. Last evaluated: 2022-11-01. Review status: criteria provided, single submitter. Criteria: Invitae Variant Classification Sherloc (09022015). Collection method: clinical testing. Allele origin: germline.

Illumina Laboratory Services, Illumina
Classification: Benign for Collagen VI-related myopathy. Last evaluated: 2018-01-13. Review status: criteria provided, single submitter. Criteria: ICSL Variant Classification Criteria 13 December 2019. Collection method: clinical testing. Allele origin: germline.
Comment: This variant was observed in the ICSL laboratory as part of a predisposition screen in an ostensibly healthy population. It had not been previously curated by ICSL or reported in the Human Gene Mutation Database (HGMD: prior to June 1st, 2018), and was therefore a candidate for classification through an automated scoring system. Utilizing variant allele frequency, disease prevalence and penetrance estimates, and inheritance mode, an automated score was calculated to assess if this variant is too frequent to cause the disease. Based on the score and internal cut-off values, a variant classified as benign is not then subjected to further curation. The score for this variant resulted in a classification of benign for this disease.

NM_001848.3(COL6A1):c.3014G>A (p.Arg1005His)

Gene: COL6A1 (collagen type VI alpha 1 chain; plus strand). Cytogenetic location: 21q22.3.
Variant type: single nucleotide variant.
Coding change: c.3014G>A on transcript NM_001848.3 (MANE Select); coding-DNA position 3014, G replaced by A.
Protein change: p.Arg1005His; replaces arginine 1005 with histidine.
Molecular consequence: missense variant.
Genome position (GRCh38, 1-based): chr21:46,003,940, G>A. VCF-style: chr21-46003940-G-A. GRCh37 (hg19) VCF-style: chr21-47423854-G-A.
Other names: short protein forms R1005H.
Identifiers: ClinVar variation 895893 (VCV000895893.12), dbSNP rs376999117, ClinGen allele CA10071107.